The following is an entry in ClinVar:

ClinVar aggregate classification (germline): Uncertain significance. Review status: criteria provided, single submitter (1 of 4 stars). 2 submissions from 2 submitters: Uncertain significance (1). 1 of the submissions does not count toward it. Last evaluated 2022-04-25.

Conditions:
BBIP1-related disorder. Also called: BBIP1-related condition.

Submissions (2):

Labcorp Genetics (formerly Invitae), Labcorp
Classification: Uncertain significance. Last evaluated: 2022-04-25. Review status: criteria provided, single submitter. Criteria: Invitae Variant Classification Sherloc (09022015). Collection method: clinical testing. Allele origin: germline.
Comment: This sequence change creates a premature translational stop signal (p.Ser18Tyrfs*10) in the BBIP1 gene. While this is not anticipated to result in nonsense mediated decay, it is expected to disrupt the last 75 amino acid(s) of the BBIP1 protein. This variant is present in population databases (rs750348652, gnomAD 0.009%). This variant has not been reported in the literature in individuals affected with BBIP1-related conditions. Experimental studies and prediction algorithms are not available or were not evaluated, and the functional significance of this variant is currently unknown. In summary, the available evidence is currently insufficient to determine the role of this variant in disease. Therefore, it has been classified as a Variant of Uncertain Significance.

PreventionGenetics, part of Exact Sciences
Classification: Uncertain significance for BBIP1-related condition. Last evaluated: 2024-07-29. Review status: no assertion criteria provided. Collection method: clinical testing. Allele origin: germline. Not counted in ClinVar's aggregate classification.
Comment: The BBIP1 c.51_52dupAT variant is predicted to result in a frameshift and premature protein termination (p.Ser18Tyrfs*10). To our knowledge, this variant has not been reported in the literature. This variant is reported in 0.0089% of alleles in individuals of South Asian descent in gnomAD. Loss of function variants in BBIP1 are not an established mechanism of disease. At this time, the clinical significance of this variant is uncertain due to the absence of conclusive functional and genetic evidence.

NM_001195305.3(BBIP1):c.51_52dup (p.Ser18fs)

Gene: BBIP1 (BBSome interacting protein 1; minus strand). Cytogenetic location: 10q25.2.
Variant type: Microsatellite.
Coding change: c.51_52dup on transcript NM_001195305.3 (MANE Select); coding-DNA positions 51 to 52, 2 bases duplicated (AT; older notation c.51_52dupAT).
Protein change: p.Ser18fs; shifts the reading frame from serine 18.
Molecular consequence: frameshift variant. On other transcripts: 5 prime UTR variant (1), intron variant (1).
Genome position (GRCh38, 1-based): chr10:110,901,598-110,901,599, AT duplicated on the plus strand (AT on the coding strand, the reverse complement: BBIP1 is on the minus strand); duplicating any 2 consecutive bases within chr10:110,901,598-110,901,602 gives the same sequence; the c. name uses the placement nearest the transcript's 3' end. VCF-style (leftmost placement, unchanged base first): chr10-110901597-G-GAT. GRCh37 (hg19) VCF-style: chr10-112661355-G-GAT.
Other names: c.208_209dup, p.Gln71fs (NM_001195304.2); c.51_52dup, p.Ser18fs (NM_001195306.2); c.-18AT[3] (NM_001243783.3); c.38-1075AT[3] (NM_001195307.2); c.51_52dupAT (NM_001195306.1); short protein forms Q71fs, S18fs.
Identifiers: ClinVar variation 1976139 (VCV001976139.6), dbSNP rs750348652, ClinGen allele CA5689328.
Genomic context (GRCh38, chr10:110,901,597, plus strand): 5'-CCTTGCTTTGGAAGAACTTCCCGGAACATTGACTTCACTTCTGCCATATCTGAGTTGTTG[G>GAT]ATATAGTGTTTTTTCCTTCAATGAGAAATCAGTATTATTCAAGAATACATTCCCAAAGCA-3'